The following is an entry in ClinVar:

NM_181523.3(PIK3R1):c.637G>A (p.Val213Ile)

Gene: PIK3R1 (phosphoinositide-3-kinase regulatory subunit 1; plus strand). Cytogenetic location: 5q13.1.
Variant type: single nucleotide variant.
Coding change: c.637G>A on transcript NM_181523.3 (MANE Select); coding-DNA position 637, G replaced by A.
Protein change: p.Val213Ile; replaces valine 213 with isoleucine.
Molecular consequence: missense variant.
Genome position (GRCh38, 1-based): chr5:68,280,530, G>A. VCF-style: chr5-68280530-G-A. GRCh37 (hg19) VCF-style: chr5-67576358-G-A.
Other names: short protein forms V213I.
Identifiers: ClinVar variation 1913275 (VCV001913275.5), dbSNP rs150170197, ClinGen allele CA3290115.
Genomic context (GRCh38, chr5:68,280,530, plus strand): 5'-TGATACCTGGAAGTAGTCGCTTACTCATTTCTCTTTTTTTTTTTTTTTAAACTTGTAGAA[G>A]TACAAAGCTCCGAAGAATATATTCAGCTATTGAAGAAGCTTATTAGGTCGCCTAGCATAC-3'
Protein context (NP_852664.1, residues 203-223): YSEMISLAPE[Val213Ile]QSSEEYIQLL

ClinVar aggregate classification (germline): Uncertain significance (1 of 4 stars; one submission).

Conditions:
SHORT syndrome. Also called: PIK3R1-Related SHORT Syndrome; SHORT STATURE, HYPEREXTENSIBILITY, HERNIA, OCULAR DEPRESSION, RIEGER ANOMALY, AND TEETHING DELAY; LIPODYSTROPHY, PARTIAL, WITH RIEGER ANOMALY AND SHORT STATURE. Identifiers: Orphanet 3163, MedGen C0878684, MONDO:0010026, OMIM 269880.
Agammaglobulinemia 7, autosomal recessive (AGM7). Also called: AGAMMAGLOBULINEMIA, AUTOSOMAL RECESSIVE, DUE TO PIK3R1 DEFECT. Identifiers: MedGen C3554689, MONDO:0014083, OMIM 615214.
Immunodeficiency 36 with lymphoproliferation. Also called: ACTIVATED PI3K-DELTA SYNDROME 2; Activated PI3K Delta Syndrome Type 2 (APDS2); Immunodeficiency 36. Identifiers: Orphanet 397596, Orphanet 693681, MedGen C4014934, MONDO:0014453, OMIM 616005.

Allele frequency attached by ClinVar (database versions not stated): gnomAD exomes below 0.00001; ExAC 0.00002; gnomAD 0.00003; TOPMed 0.00004; ESP Exome Variant Server 0.00015.
gnomAD v4.1: 5 of 1,530,962 alleles (0.00033%); highest among the groups gnomAD compares: African/African-American, 0.0069%; no homozygotes.

Submission:

Labcorp Genetics (formerly Invitae), Labcorp
Classification: Uncertain significance for SHORT syndrome; Immunodeficiency 36 with lymphoproliferation; Agammaglobulinemia 7, autosomal recessive. Last evaluated: 2022-08-16. Review status: criteria provided, single submitter. Criteria: Invitae Variant Classification Sherloc (09022015). Collection method: clinical testing. Allele origin: germline.
Comment: In summary, the available evidence is currently insufficient to determine the role of this variant in disease. Therefore, it has been classified as a Variant of Uncertain Significance. Algorithms developed to predict the effect of missense changes on protein structure and function output the following: SIFT: "Tolerated"; PolyPhen-2: "Benign"; Align-GVGD: "Class C0". The isoleucine amino acid residue is found in multiple mammalian species, which suggests that this missense change does not adversely affect protein function. This sequence change replaces valine, which is neutral and non-polar, with isoleucine, which is neutral and non-polar, at codon 213 of the PIK3R1 protein (p.Val213Ile). The frequency data for this variant in the population databases is considered unreliable, as metrics indicate poor data quality at this position in the gnomAD database. This variant has not been reported in the literature in individuals affected with PIK3R1-related conditions.